The following is an entry in ClinVar:

NM_001253.4(CDC5L):c.1277G>A (p.Arg426Gln)

Gene: CDC5L (cell division cycle 5 like; plus strand). Cytogenetic location: 6p21.1.
Variant type: single nucleotide variant.
Coding change: c.1277G>A on transcript NM_001253.4 (MANE Select); coding-DNA position 1277, G replaced by A.
Protein change: p.Arg426Gln; replaces arginine 426 with glutamine.
Molecular consequence: missense variant.
Genome position (GRCh38, 1-based): chr6:44,422,682, G>A. VCF-style: chr6-44422682-G-A. GRCh37 (hg19) VCF-style: chr6-44390419-G-A.
Other names: short protein forms R426Q.
Identifiers: ClinVar variation 2629510 (VCV002629510.1), dbSNP rs747924598, ClinGen allele CA138398731.

ClinVar aggregate classification (germline): Uncertain significance (1 of 4 stars; one submission).

Conditions:
CDC5L-related disorder. Also called: CDC5L-related condition.

Allele frequency attached by ClinVar (database versions not stated): TOPMed 0.00001; gnomAD exomes 0.00002.
gnomAD v4.1: 29 of 1,612,146 alleles (0.0018%); highest among the groups gnomAD compares: Admixed American, 0.0033%; no homozygotes.

Submission:

PreventionGenetics, part of Exact Sciences
Classification: Uncertain significance for CDC5L-related condition. Last evaluated: 2022-11-17. Review status: criteria provided, single submitter. Criteria: ACMG Guidelines, 2015. Collection method: clinical testing. Allele origin: germline.
Comment: The CDC5L c.1277G>A variant is predicted to result in the amino acid substitution p.Arg426Gln. To our knowledge, this variant has not been reported in the literature. This variant is reported in 0.0059% of alleles in individuals of Latino descent in gnomAD. At this time, the clinical significance of this variant is uncertain due to the absence of conclusive functional and genetic evidence.